The following is an entry in ClinVar:

NM_004444.5(EPHB4):c.1153dup (p.Asp385fs)

Gene: EPHB4 (EPH receptor B4; minus strand). Cytogenetic location: 7q22.1.
Variant type: Duplication.
Coding change: c.1153dup on transcript NM_004444.5 (MANE Select); coding-DNA position 1153, one base duplicated (G; older notation c.1153dupG).
Protein change: p.Asp385fs; shifts the reading frame from aspartic acid 385.
Molecular consequence: frameshift variant.
Genome position (GRCh38, 1-based): chr7:100,819,701, C duplicated on the plus strand (G on the coding strand, the reverse complement: EPHB4 is on the minus strand); the first of 3 consecutive C bases (chr7:100,819,701-100,819,703); duplicating any one gives the same sequence. VCF-style (leftmost placement, unchanged base first): chr7-100819700-T-TC. GRCh37 (hg19) VCF-style: chr7-100417322-T-TC.
Other names: c.1153dupG (NM_004444.5); short protein forms D385fs.
Identifiers: ClinVar variation 1678612 (VCV001678612.2), dbSNP rs761905713, ClinGen allele CA915940884.
Genomic context (GRCh38, chr7:100,819,700, plus strand): 5'-TCAAAGGTATAGGTGAAGTCAGGACGTAGCCCTCGAACCACCACCCAGGGCTCCACCAGG[T>TC]CCCGGGGGCCGGGGTCAAAAGTCAGGTCTCCCCCGCAGGGCGCACAGGAGCCTCCGGGTC-3'

ClinVar aggregate classification (germline): Likely pathogenic (1 of 4 stars; one submission).

Conditions:
Capillary malformation-arteriovenous malformation 2 (CMAVM2). Identifiers: Orphanet 693912, MedGen C4748670, MONDO:0020785, OMIM 618196.

Submission:

Molecular Genetics, Royal Melbourne Hospital
Classification: Likely pathogenic for Capillary malformation-arteriovenous malformation 2. Last evaluated: 2020-03-10. Review status: criteria provided, single submitter. Criteria: ACMG Guidelines, 2015. Collection method: clinical testing. Allele origin: germline. Affected: yes.
Comment: This sequence change is a duplication of 1 bp in exon 6 (of 17) of EPHB4 that is predicted to create a premature termination codon at position 399 (p.Asp385Glyfs*15). It is expected to result in an absent or disrupted protein product in a gene where loss of function is a known mechanism of disease (PVS1). The variant is absent in a large population cohort (gnomAD v2.1 - PM2), and it has not been reported previously is the relevant medical literature or databases. Based on the classification scheme RMH ACMG Guidelines v1.2.1, this variant is classified as LIKELY PATHOGENIC. Following criteria are met: PVS1, PM2.